The following is an entry in ClinVar:

ClinVar aggregate classification (germline): Likely pathogenic (1 of 4 stars; one submission).

Conditions:
Autosomal recessive polycystic kidney disease (ARPKD). Also called: AR polycystic kidney disease. Identifiers: Orphanet 731, Orphanet 8378, MedGen C0085548, MeSH D017044, MONDO:0009889.

Submission:

Natera, Inc.
Classification: Likely pathogenic for Autosomal recessive polycystic kidney disease. Last evaluated: 2026-01-23. Review status: criteria provided, single submitter. Criteria: Natera Variant Classification Schema (03/2026). Collection method: clinical testing. Allele origin: germline.
Comment: The c.3365-1G>A variant in PKHD1 is a canonical splice acceptor site variant predicted to affect pre-mRNA splicing, which may result in an abnormal transcript and altered protein product. This variant is expected to result in nonsense mediated decay, truncation, or a dysfunctional protein product. This variant is rare in the general population with a frequency below the threshold expected for the associated phenotype(s). Given the available evidence, this variant is classified as Likely Pathogenic.

NM_138694.4(PKHD1):c.3365-1G>A

Gene: PKHD1 (PKHD1 ciliary IPT domain containing fibrocystin/polyductin; minus strand). Cytogenetic location: 6p12.2.
Variant type: single nucleotide variant.
Coding change: c.3365-1G>A on transcript NM_138694.4 (MANE Select); the canonical splice acceptor site of the intron before coding-DNA position 3365, G replaced by A.
Molecular consequence: splice acceptor variant.
Genome position (GRCh38, 1-based): chr6:52,028,352, C>T on the plus strand (G>A on the coding strand, the complement: PKHD1 is on the minus strand). VCF-style: chr6-52028352-C-T. GRCh37 (hg19) VCF-style: chr6-51893150-C-T.
Other names: c.3365-1G>A (NM_170724.3).
Identifiers: ClinVar variation 4816631 (VCV004816631.1).